The following is an entry in ClinVar:

ClinVar aggregate classification (germline): Uncertain significance (1 of 4 stars; one submission).

Conditions:
Cerebral cavernous malformation 2. Also called: Familial Cerebral Cavernous Malformation 2. Identifiers: Orphanet 221061, MedGen C1864041, MONDO:0011304, OMIM 603284.

Submission:

Labcorp Genetics (formerly Invitae), Labcorp
Classification: Uncertain significance for Cerebral cavernous malformation 2. Last evaluated: 2019-05-06. Review status: criteria provided, single submitter. Criteria: Invitae Variant Classification Sherloc (09022015). Collection method: clinical testing. Allele origin: germline.
Comment: In summary, the available evidence is currently insufficient to determine the role of this variant in disease. Therefore, it has been classified as a Variant of Uncertain Significance. Algorithms developed to predict the effect of missense changes on protein structure and function (SIFT, PolyPhen-2, Align-GVGD) all suggest that this variant is likely to be disruptive, but these predictions have not been confirmed by published functional studies and their clinical significance is uncertain. This variant has not been reported in the literature in individuals with CCM2-related conditions. This variant is not present in population databases (ExAC no frequency). This sequence change replaces isoleucine with threonine at codon 233 of the CCM2 protein (p.Ile233Thr). The isoleucine residue is highly conserved and there is a moderate physicochemical difference between isoleucine and threonine.

NM_031443.4(CCM2):c.698T>C (p.Ile233Thr)

Gene: CCM2 (CCM2 scaffold protein; plus strand). Cytogenetic location: 7p13.
Variant type: single nucleotide variant.
Coding change: c.698T>C on transcript NM_031443.4 (MANE Select); coding-DNA position 698, T replaced by C.
Protein change: p.Ile233Thr; replaces isoleucine 233 with threonine.
Molecular consequence: missense variant. On other transcripts: non-coding transcript variant (1), intron variant (1).
Genome position (GRCh38, 1-based): chr7:45,069,914, T>C. VCF-style: chr7-45069914-T-C. GRCh37 (hg19) VCF-style: chr7-45109513-T-C.
Other names: c.761T>C, p.Ile254Thr (NM_001029835.2); c.524T>C, p.Ile175Thr (NM_001167934.2, NM_001363459.2); c.698T>C, p.Ile233Thr (NM_001363458.2); c.473-2812T>C (NM_001167935.2); short protein forms I175T, I233T, I254T.
Identifiers: ClinVar variation 848889 (VCV000848889.9), dbSNP rs1798975615, ClinGen allele CA367430682.